The following is an entry in ClinVar:

NM_178014.4(TUBB):c.152A>G (p.Tyr51Cys)

Gene: TUBB (tubulin beta class I; plus strand). Cytogenetic location: 6p21.33.
Variant type: single nucleotide variant.
Coding change: c.152A>G on transcript NM_178014.4 (MANE Select); coding-DNA position 152, A replaced by G.
Protein change: p.Tyr51Cys; replaces tyrosine 51 with cysteine.
Molecular consequence: missense variant. On other transcripts: 5 prime UTR variant (2), non-coding transcript variant (1), intron variant (1).
Genome position (GRCh38, 1-based): chr6:30,722,631, A>G. VCF-style: chr6-30722631-A-G. GRCh37 (hg19) VCF-style: chr6-30690408-A-G.
Other names: c.212A>G, p.Tyr71Cys (NM_001293212.2); c.152A>G, p.Tyr51Cys (NM_001293213.2); c.-65A>G (NM_001293215.2, NM_001293216.2); c.35-287A>G (NM_001293214.2); short protein forms Y51C, Y71C.
Identifiers: ClinVar variation 1697063 (VCV001697063.2), dbSNP rs2127747963, ClinGen allele CA363142890.
Genomic context (GRCh38, chr6:30,722,631, plus strand): 5'-ACCCCACCGGCACCTACCACGGGGACAGCGACCTGCAGCTGGACCGCATCTCTGTGTACT[A>G]CAATGAAGCCACAGGTAAGGGCAGGAGCCCGGGCAGCTCAGGTTCCCTTCCCTGTCTCCC-3'
Protein context (NP_821133.1, residues 41-61): DLQLDRISVY[Tyr51Cys]NEATGGKYVP

ClinVar aggregate classification (germline): Uncertain significance (1 of 4 stars; one submission).

Submission:

GeneDx
Classification: Uncertain significance. Last evaluated: 2022-01-17. Review status: criteria provided, single submitter. Criteria: GeneDx Variant Classification Process June 2021. Collection method: clinical testing. Allele origin: germline. Affected: yes.
Comment: Not observed at significant frequency in large population cohorts (gnomAD); In silico analysis supports that this missense variant has a deleterious effect on protein structure/function; Has not been previously published as pathogenic or benign to our knowledge